The following is an entry in ClinVar:

ClinVar aggregate classification (germline): Likely benign. Review status: criteria provided, single submitter (1 of 4 stars). 2 submissions from 2 submitters: Likely benign (1). 1 of the submissions does not count toward it. Last evaluated 2024-12-01.

Conditions:
ZNF142-related disorder. Also called: ZNF142-related condition.

Allele frequency attached by ClinVar (database versions not stated): gnomAD exomes 0.00027; ExAC 0.00085; 1000 Genomes Project 30x 0.00172; 1000 Genomes Project 0.00180; gnomAD 0.00259; TOPMed 0.00325; ESP Exome Variant Server 0.00330.

Submissions (2):

CeGaT Center for Human Genetics Tuebingen
Classification: Likely benign. Last evaluated: 2024-12-01. Review status: criteria provided, single submitter. Criteria: CeGaT Center For Human Genetics Tuebingen Variant Classification Criteria Version 2. Collection method: clinical testing. Allele origin: germline. Affected: yes. Observed: 2 variant alleles.
Comment: ZNF142: BP4, BP7

PreventionGenetics, part of Exact Sciences
Classification: Benign for ZNF142-related condition. Last evaluated: 2019-11-07. Review status: no assertion criteria provided. Collection method: clinical testing. Allele origin: germline. Not counted in ClinVar's aggregate classification.
Comment: This variant is classified as benign based on ACMG/AMP sequence variant interpretation guidelines (Richards et al. 2015 PMID: 25741868, with internal and published modifications).

NM_001379659.1(ZNF142):c.4308G>A (p.Thr1436=)

Gene: ZNF142 (zinc finger protein 142; minus strand). Cytogenetic location: 2q35.
Variant type: single nucleotide variant.
Coding change: c.4308G>A on transcript NM_001379659.1 (MANE Select); coding-DNA position 4308, G replaced by A.
Protein change: p.Thr1436=; no amino-acid change (threonine 1436 retained).
Molecular consequence: synonymous variant.
Genome position (GRCh38, 1-based): chr2:218,642,808, C>T on the plus strand (G>A on the coding strand, the complement: ZNF142 is on the minus strand). VCF-style: chr2-218642808-C-T. GRCh37 (hg19) VCF-style: chr2-219507531-C-T.
Other names: c.3708G>A, p.Thr1236= (NM_001105537.5, NM_001366291.3, NM_001379662.1); c.3219G>A, p.Thr1073= (NM_001366287.3, NM_001366288.3, NM_001366289.3); c.4308G>A, p.Thr1436= (NM_001366290.3, NM_001379660.1, NM_001379661.1).
Identifiers: ClinVar variation 3033856 (VCV003033856.16), dbSNP rs140912415, ClinGen allele CA2108810.
Genomic context (GRCh38, chr2:218,642,808, plus strand): 5'-GGTAGGTGTTTTGTCATGTACCCTTAACCGGTGCAAGCGCAGTTTCGAGTTGGTACCAAA[C>T]GTCTGGGGGCAAGAGCTGCAGGGGATGCGGCCAATGCCTGTGTGTCGGGACTGGTGAGCC-3'
Protein context (NP_001366588.1, residues 1426-1446): GRIPCSSCPQ[Thr1436=]FGTNSKLRLH